The following is an entry in ClinVar:

ClinVar aggregate classification (germline): Uncertain significance (1 of 4 stars; one submission).

Conditions:
Alagille syndrome due to a JAG1 point mutation. Also called: HEPATIC DUCTULAR HYPOPLASIA, SYNDROMATIC; Alagille Syndrome 1; JAG1-Related Alagille Syndrome. Identifiers: Orphanet 261619, Orphanet 52, MedGen C1956125, MONDO:0016862, OMIM 118450.

Submission:

Labcorp Genetics (formerly Invitae), Labcorp
Classification: Uncertain significance for Alagille syndrome due to a JAG1 point mutation. Last evaluated: 2023-06-10. Review status: criteria provided, single submitter. Criteria: Invitae Variant Classification Sherloc (09022015). Collection method: clinical testing. Allele origin: germline.
Comment: This variant has not been reported in the literature in individuals affected with JAG1-related conditions. This sequence change replaces cysteine, which is neutral and slightly polar, with tyrosine, which is neutral and polar, at codon 633 of the JAG1 protein (p.Cys633Tyr). This variant is not present in population databases (gnomAD no frequency). Advanced modeling of protein sequence and biophysical properties (such as structural, functional, and spatial information, amino acid conservation, physicochemical variation, residue mobility, and thermodynamic stability) performed at Invitae indicates that this missense variant is expected to disrupt JAG1 protein function. In summary, the available evidence is currently insufficient to determine the role of this variant in disease. Therefore, it has been classified as a Variant of Uncertain Significance.

NM_000214.3(JAG1):c.1898G>A (p.Cys633Tyr)

Gene: JAG1 (jagged canonical Notch ligand 1; minus strand). Cytogenetic location: 20p12.2.
Variant type: single nucleotide variant.
Coding change: c.1898G>A on transcript NM_000214.3 (MANE Select); coding-DNA position 1898, G replaced by A.
Protein change: p.Cys633Tyr; replaces cysteine 633 with tyrosine.
Molecular consequence: missense variant.
Genome position (GRCh38, 1-based): chr20:10,646,072, C>T on the plus strand (G>A on the coding strand, the complement: JAG1 is on the minus strand). VCF-style: chr20-10646072-C-T. GRCh37 (hg19) VCF-style: chr20-10626720-C-T.
Other names: short protein forms C633Y.
Identifiers: ClinVar variation 2854544 (VCV002854544.3), dbSNP rs2122604573, ClinGen allele CA408235880.